The following is an entry in ClinVar:

NM_001080449.3(DNA2):c.2263A>T (p.Ile755Phe)

Gene: DNA2 (DNA replication helicase/nuclease 2; minus strand). Cytogenetic location: 10q21.3.
Variant type: single nucleotide variant.
Coding change: c.2263A>T on transcript NM_001080449.3 (MANE Select); coding-DNA position 2263, A replaced by T.
Protein change: p.Ile755Phe; replaces isoleucine 755 with phenylalanine.
Molecular consequence: missense variant. On other transcripts: non-coding transcript variant (1).
Genome position (GRCh38, 1-based): chr10:68,422,836, T>A on the plus strand (A>T on the coding strand, the complement: DNA2 is on the minus strand). VCF-style: chr10-68422836-T-A. GRCh37 (hg19) VCF-style: chr10-70182593-T-A.
Other names: short protein forms I755F.
Identifiers: ClinVar variation 4769456 (VCV004769456.1).

ClinVar aggregate classification (germline): Uncertain significance (1 of 4 stars; one submission).

Submission:

Labcorp Genetics (formerly Invitae), Labcorp
Classification: Uncertain significance. Last evaluated: 2025-02-13. Review status: criteria provided, single submitter. Criteria: Invitae Variant Classification Sherloc (09022015). Collection method: clinical testing. Allele origin: germline.
Comment: This sequence change replaces isoleucine, which is neutral and non-polar, with phenylalanine, which is neutral and non-polar, at codon 755 of the DNA2 protein (p.Ile755Phe). This variant is not present in population databases (gnomAD no frequency). This variant has not been reported in the literature in individuals affected with DNA2-related conditions. Invitae Evidence Modeling of protein sequence and biophysical properties (such as structural, functional, and spatial information, amino acid conservation, physicochemical variation, residue mobility, and thermodynamic stability) indicates that this missense variant is not expected to disrupt DNA2 protein function with a negative predictive value of 80%. In summary, the available evidence is currently insufficient to determine the role of this variant in disease. Therefore, it has been classified as a Variant of Uncertain Significance.